The following is an entry in ClinVar:

ClinVar aggregate classification (germline): Likely benign (1 of 4 stars; one submission).

Allele frequency attached by ClinVar (database versions not stated): gnomAD 0.00087.
gnomAD v4.1: 763 of 1,587,370 alleles (0.048%); highest among the groups gnomAD compares: East Asian, 0.14%; 18 homozygotes.

Submission:

CeGaT Center for Human Genetics Tuebingen
Classification: Likely benign. Last evaluated: 2022-09-01. Review status: criteria provided, single submitter. Criteria: CeGaT Center For Human Genetics Tuebingen Variant Classification Criteria Version 2. Collection method: clinical testing. Allele origin: germline. Affected: yes. Observed: 2 variant alleles.
Comment: ANKRD36C: BP4, BP7

NM_001393982.1(ANKRD36C):c.3204C>T (p.Asp1068=)

Gene: ANKRD36C (ankyrin repeat domain 36C; minus strand). Cytogenetic location: 2q11.1.
Variant type: single nucleotide variant.
Coding change: c.3204C>T on transcript NM_001393982.1 (MANE Select); coding-DNA position 3204, C replaced by T.
Protein change: p.Asp1068=; no amino-acid change (aspartic acid 1068 retained).
Molecular consequence: synonymous variant.
Genome position (GRCh38, 1-based): chr2:95,902,947, G>A on the plus strand (C>T on the coding strand, the complement: ANKRD36C is on the minus strand). VCF-style: chr2-95902947-G-A. GRCh37 (hg19) VCF-style: chr2-96568695-G-A.
Other names: c.3279C>T, p.Asp1093= (NM_001310154.3).
Identifiers: ClinVar variation 2651129 (VCV002651129.24), dbSNP rs1405209973, ClinGen allele CA534349907.